The following is an entry in ClinVar:

NM_001205019.2(GK):c.1084T>C (p.Tyr362His)

Gene: GK (glycerol kinase; plus strand). Cytogenetic location: Xp21.2.
Variant type: single nucleotide variant.
Coding change: c.1084T>C on transcript NM_001205019.2 (MANE Select); coding-DNA position 1084, T replaced by C.
Protein change: p.Tyr362His; replaces tyrosine 362 with histidine.
Molecular consequence: missense variant. On other transcripts: non-coding transcript variant (7).
Genome position (GRCh38, 1-based): chrX:30,719,448, T>C. VCF-style: chrX-30719448-T-C. GRCh37 (hg19) VCF-style: chrX-30737565-T-C.
Other names: c.1066T>C, p.Tyr356His (NM_000167.6, NM_001128127.3); c.1150T>C, p.Tyr384His (NM_001399987.1); c.1084T>C, p.Tyr362His (NM_203391.4); short protein forms Y356H, Y362H, Y384H.
Identifiers: ClinVar variation 3067579 (VCV003067579.21), dbSNP rs763413702, ClinGen allele CA10376849.

ClinVar aggregate classification (germline): Uncertain significance (1 of 4 stars; one submission).

Allele frequency attached by ClinVar (database versions not stated): ExAC 0.00001; gnomAD 0.00001; gnomAD exomes 0.00003.
gnomAD v4.1: 32 of 1,190,402 alleles (0.0027%); highest among the groups gnomAD compares: Non-Finnish European, 0.0034%; no homozygotes.

Submission:

CeGaT Center for Human Genetics Tuebingen
Classification: Uncertain significance. Last evaluated: 2024-03-01. Review status: criteria provided, single submitter. Criteria: CeGaT Center For Human Genetics Tuebingen Variant Classification Criteria Version 2. Collection method: clinical testing. Allele origin: germline. Affected: yes. Observed: 1 variant allele.
Comment: GK: PP2